The following is an entry in ClinVar:

NM_005515.4(MNX1):c.574G>A (p.Ala192Thr)

Gene: MNX1 (motor neuron and pancreas homeobox 1; minus strand). Cytogenetic location: 7q36.3.
Variant type: single nucleotide variant.
Coding change: c.574G>A on transcript NM_005515.4 (MANE Select); coding-DNA position 574, G replaced by A.
Protein change: p.Ala192Thr; replaces alanine 192 with threonine.
Molecular consequence: missense variant.
Genome position (GRCh38, 1-based): chr7:157,009,777, C>T on the plus strand (G>A on the coding strand, the complement: MNX1 is on the minus strand). VCF-style: chr7-157009777-C-T. GRCh37 (hg19) VCF-style: chr7-156802471-C-T.
Other names: short protein forms A192T.
Identifiers: ClinVar variation 3397327 (VCV003397327.4).

ClinVar aggregate classification (germline): Uncertain significance. Review status: criteria provided, multiple submitters, no conflicts (2 of 4 stars). 3 submissions from 3 submitters: Uncertain significance (3). Last evaluated 2024-11-10.

Conditions:
Inborn genetic diseases. Identifiers: MedGen C0950123, MeSH D030342.
Currarino triad. Identifiers: Orphanet 1552, MedGen C1531773, MONDO:0008305, OMIM 176450.

gnomAD v4.1: 5 of 1,592,600 alleles (0.00031%); highest among the groups gnomAD compares: Admixed American, 0.0017%; no homozygotes.

Submissions (3):

Labcorp Genetics (formerly Invitae), Labcorp
Classification: Uncertain significance. Last evaluated: 2024-11-10. Review status: criteria provided, single submitter. Criteria: Invitae Variant Classification Sherloc (09022015). Collection method: clinical testing. Allele origin: germline.
Comment: This sequence change replaces alanine, which is neutral and non-polar, with threonine, which is neutral and polar, at codon 192 of the MNX1 protein (p.Ala192Thr). This variant is present in population databases (rs750182825, gnomAD 0.001%). This variant has not been reported in the literature in individuals affected with MNX1-related conditions. Invitae Evidence Modeling of protein sequence and biophysical properties (such as structural, functional, and spatial information, amino acid conservation, physicochemical variation, residue mobility, and thermodynamic stability) indicates that this missense variant is not expected to disrupt MNX1 protein function with a negative predictive value of 80%. In summary, the available evidence is currently insufficient to determine the role of this variant in disease. Therefore, it has been classified as a Variant of Uncertain Significance.

Ambry Genetics
Classification: Uncertain significance for Inborn genetic diseases. Last evaluated: 2024-07-05. Review status: criteria provided, single submitter. Criteria: Ambry Variant Classification Scheme 2023. Collection method: clinical testing. Allele origin: germline.

Fulgent Genetics
Classification: Uncertain significance for Currarino triad. Last evaluated: 2024-06-03. Review status: criteria provided, single submitter. Criteria: ACMG Guidelines, 2015. Collection method: clinical testing. Allele origin: germline.